The following is an entry in ClinVar:

NM_001110556.2(FLNA):c.4646A>G (p.Lys1549Arg)

Gene: FLNA (filamin A; minus strand). Cytogenetic location: Xq28.
Variant type: single nucleotide variant.
Coding change: c.4646A>G on transcript NM_001110556.2 (MANE Select); coding-DNA position 4646, A replaced by G.
Protein change: p.Lys1549Arg; replaces lysine 1549 with arginine.
Molecular consequence: missense variant.
Genome position (GRCh38, 1-based): chrX:154,358,308, T>C on the plus strand (A>G on the coding strand, the complement: FLNA is on the minus strand). VCF-style: chrX-154358308-T-C. GRCh37 (hg19) VCF-style: chrX-153586676-T-C.
Other names: c.4646A>G, p.Lys1549Arg (NM_001456.4); c.4646A>G (NM_001456.3); short protein forms K1549R.
Identifiers: ClinVar variation 1350280 (VCV001350280.7), dbSNP rs2148110417, ClinGen allele CA415214947.
Genomic context (GRCh38, chrX:154,358,308, plus strand): 5'-GTGAACTCCACGGGCAGGCTGGCAGGCACGCCAGTGGTGTTGAGCCCGGGGCCACTGGCC[T>C]TCACCTTGCTGGCATCATGAGTAGGCAGCACCTTGACCTTGAAGGGGCTGTGAGGGATTG-3'
Protein context (NP_001104026.1, residues 1539-1559): VLPTHDASKV[Lys1549Arg]ASGPGLNTTG

ClinVar aggregate classification (germline): Uncertain significance. Review status: criteria provided, multiple submitters, no conflicts (2 of 4 stars). 2 submissions from 2 submitters: Uncertain significance (2). Last evaluated 2025-04-10.

Conditions:
Heterotopia, periventricular, X-linked dominant (PVNH1). Also called: PERIVENTRICULAR NODULAR HETEROTOPIA 1; X-linked periventricular heterotopia; PERIVENTRICULAR NODULAR HETEROTOPIA 4; HETEROTOPIA, PERIVENTRICULAR, 1. Identifiers: Orphanet 2149, Orphanet 82004, MedGen C1848213, MONDO:0010233, OMIM 300049.
Oto-palato-digital syndrome, type II (OPD2). Also called: OPD II SYNDROME; Otopalatodigital Syndrome, Type II; Otopalatodigital Syndrome Type 2 (FLNA-OPD2); FACIOPALATOOSSEOUS SYNDROME. Identifiers: Orphanet 669, Orphanet 90652, MedGen C1844696, MONDO:0010571, OMIM 304120.
Melnick-Needles syndrome (MNS). Also called: MELNICK-NEEDLES OSTEODYSPLASTY; OSTEODYSPLASTY OF MELNICK AND NEEDLES; Melnick-Needles Syndrome (FLNA-MNS). Identifiers: Orphanet 2484, MedGen C0025237, MONDO:0010650, OMIM 309350.
Frontometaphyseal dysplasia (FMD1). Identifiers: Orphanet 1826, MedGen C0265293, MONDO:0015942.

gnomAD v4.1: 8 of 1,211,368 alleles (0.00066%); highest among the groups gnomAD compares: Non-Finnish European, 0.00078%; no homozygotes.

Submissions (2):

GeneDx
Classification: Uncertain significance. Last evaluated: 2025-04-10. Review status: criteria provided, single submitter. Criteria: GeneDx Variant Classification Process June 2021. Collection method: clinical testing. Allele origin: germline. Affected: yes.
Comment: Not observed at significant frequency in large population cohorts (gnomAD); In silico analysis indicates that this missense variant does not alter protein structure/function; Has not been previously published as pathogenic or benign to our knowledge

Labcorp Genetics (formerly Invitae), Labcorp
Classification: Uncertain significance for Oto-palato-digital syndrome, type II; Heterotopia, periventricular, X-linked dominant; Frontometaphyseal dysplasia; Melnick-Needles syndrome. Last evaluated: 2021-10-05. Review status: criteria provided, single submitter. Criteria: Invitae Variant Classification Sherloc (09022015). Collection method: clinical testing. Allele origin: germline.
Comment: This sequence change replaces lysine with arginine at codon 1549 of the FLNA protein (p.Lys1549Arg). The lysine residue is highly conserved and there is a small physicochemical difference between lysine and arginine. This variant is not present in population databases (ExAC no frequency). This variant has not been reported in the literature in individuals affected with FLNA-related conditions. Advanced modeling of protein sequence and biophysical properties (such as structural, functional, and spatial information, amino acid conservation, physicochemical variation, residue mobility, and thermodynamic stability) performed at Invitae indicates that this missense variant is not expected to disrupt FLNA protein function. Algorithms developed to predict the effect of sequence changes on RNA splicing suggest that this variant may create or strengthen a splice site. In summary, the available evidence is currently insufficient to determine the role of this variant in disease. Therefore, it has been classified as a Variant of Uncertain Significance.